The following is an entry in ClinVar:

ClinVar aggregate classification (germline): Conflicting classifications of pathogenicity. Review status: criteria provided, conflicting classifications (1 of 4 stars). 6 submissions from 6 submitters: Likely pathogenic (1); Uncertain significance (3); Likely benign (1). 1 of the submissions does not count toward it. Last evaluated 2026-02-17.

Conditions:
Hypogonadotropic hypogonadism 2 with or without anosmia (HH2). Also called: HYPOGONADOTROPIC HYPOGONADISM 2 WITHOUT ANOSMIA; HYPOGONADOTROPIC HYPOGONADISM 2 WITH OR WITHOUT ANOSMIA, SUSCEPTIBILITY TO; HYPOGONADOTROPIC HYPOGONADISM 2 WITHOUT ANOSMIA, SUSCEPTIBILITY TO; FGFR1-Related GnRH Deficiency (Kallmann Syndrome 2). Identifiers: Orphanet 478, MedGen C1563720, MONDO:0007844, OMIM 147950. Disease mechanism: loss of function.
Pfeiffer syndrome (ACS5). Also called: ACS V. Identifiers: Orphanet 710, MedGen C0220658, MONDO:0007043, OMIM 101600.
FGFR1-related disorder. Also called: FGFR1-related condition; FGFR1-related disorders. Identifiers: MedGen CN380097.
Hartsfield-Bixler-Demyer syndrome (HRTFDS). Also called: Hartsfield syndrome; FGFR1-Related Hartsfield Syndrome; Holoprosencephaly, ectrodactyly, and bilateral cleft lip/palate. Identifiers: Orphanet 2117, MedGen C1845146, MONDO:0014196, OMIM 615465. Disease mechanism: loss of function.
Trigonocephaly 1 (TRIGNO1). Identifiers: Orphanet 3366, MedGen C0432122, MONDO:0008603, OMIM 190440.
Jackson-Weiss syndrome (JWS). Also called: CRANIOSYNOSTOSIS, MIDFACIAL HYPOPLASIA, AND FOOT ABNORMALITIES. Identifiers: Orphanet 1540, MedGen C0795998, MONDO:0007400, OMIM 123150. Disease mechanism: loss of function.
Encephalocraniocutaneous lipomatosis (ECCL). Identifiers: Orphanet 2396, MedGen C0406612, MONDO:0013074, OMIM 613001.
Osteoglophonic dysplasia (OGD). Also called: Osteoglophonic dwarfism. Identifiers: Orphanet 2645, MedGen C0432283, MONDO:0008150, OMIM 166250.

Allele frequency attached by ClinVar (database versions not stated): gnomAD exomes 0.00002; TOPMed 0.00002; gnomAD 0.00003; ExAC 0.00005.
gnomAD v4.1: 29 of 1,614,024 alleles (0.0018%); highest among the groups gnomAD compares: South Asian, 0.0022%; no homozygotes.

Submissions (6):

Centre for Medical Genetics,  Mumbai
Classification: Likely benign for Hypogonadotropic hypogonadism 2 with or without anosmia. Last evaluated: 2026-02-17. Review status: criteria provided, single submitter. Criteria: ACMG Guidelines, 2015. Collection method: provider interpretation. Allele origin: germline. Inheritance: Autosomal dominant inheritance. Affected: no. Observed: 1 heterozygote.
Comment: The variant satisfies PM1 criteria; Non-truncating non-synonymous variant is located in a mutational hot spot and/or critical and well-established functional domain. The variant satisfies PP2 criteria; Missense variant in a gene with low rate of benign missense mutations and for which missense mutation is a common mechanism of a disease. The variant satisfies PM2 criteria; Extremely low frequency in gnomAD population databases. The variant satisfies PM5 criteria; Different amino acid change as a known pathogenic variant. The variant satisfies PP3 criteria; For a missense or a splicing region variant, computational prediction tools unanimously support a deleterious effect on the gene. The variant satisfies PP5 criteria; Reputable source recently reports variant as pathogenic, but the evidence is not available to the laboratory to perform an independent evaluation. However, the variant satisfies BS2 criteria; present in an individual that clinically does not have Hypogonadotropic hypogonadism 2 with or without anosmia.

Labcorp Genetics (formerly Invitae), Labcorp
Classification: Uncertain significance for Pfeiffer syndrome; Hypogonadotropic hypogonadism 2 with or without anosmia. Last evaluated: 2025-08-22. Review status: criteria provided, single submitter. Criteria: Invitae Variant Classification Sherloc (09022015). Collection method: clinical testing. Allele origin: germline.
Comment: This sequence change replaces glycine, which is neutral and non-polar, with serine, which is neutral and polar, at codon 703 of the FGFR1 protein (p.Gly703Ser). This variant is present in population databases (rs768957161, gnomAD 0.007%). This missense change has been observed in individual(s) with Kallmann syndrome (PMID: 16764984). ClinVar contains an entry for this variant (Variation ID: 2013252). Invitae Evidence Modeling of protein sequence and biophysical properties (such as structural, functional, and spatial information, amino acid conservation, physicochemical variation, residue mobility, and thermodynamic stability) indicates that this missense variant is not expected to disrupt FGFR1 protein function with a negative predictive value of 80%. This variant disrupts the p.Gly703 amino acid residue in FGFR1. Other variant(s) that disrupt this residue have been observed in individuals with FGFR1-related conditions (PMID: 16764984, 23643382), which suggests that this may be a clinically significant amino acid residue. In summary, the available evidence is currently insufficient to determine the role of this variant in disease. Therefore, it has been classified as a Variant of Uncertain Significance.

GeneDx
Classification: Uncertain significance. Last evaluated: 2024-09-26. Review status: criteria provided, single submitter. Criteria: GeneDx Variant Classification Process June 2021. Collection method: clinical testing. Allele origin: germline. Affected: yes.
Comment: Identified in patients with features of idiopathic hypogonadotropic hypogonadism and/or Kallman syndrome in published literature (PMID: 16764984, 37805574, 33442024); In silico analysis supports that this missense variant has a deleterious effect on protein structure/function; This variant is associated with the following publications: (PMID: 23329143, 16764984, 31996231, 38734568, 25636053, 37805574, 33442024, 18034870)

Fulgent Genetics
Classification: Uncertain significance for Pfeiffer syndrome; Jackson-Weiss syndrome; Hypogonadotropic hypogonadism 2 with or without anosmia; Osteoglophonic dysplasia; Trigonocephaly 1; Encephalocraniocutaneous lipomatosis; Hartsfield-Bixler-Demyer syndrome. Last evaluated: 2024-05-20. Review status: criteria provided, single submitter. Criteria: ACMG Guidelines, 2015. Collection method: clinical testing. Allele origin: germline.

Reproductive Endocrine Unit, Massachusetts General Hospital
Classification: Likely pathogenic for Hypogonadotropic hypogonadism 2 with or without anosmia. Last evaluated: 2023-05-04. Review status: criteria provided, single submitter. Criteria: ACMG Guidelines, 2015. Collection method: research. Allele origin: inherited. Affected: yes. Observed: 1 variant allele.

PreventionGenetics, part of Exact Sciences
Classification: Uncertain significance for FGFR1-related condition. Last evaluated: 2024-01-19. Review status: no assertion criteria provided. Collection method: clinical testing. Allele origin: germline. Not counted in ClinVar's aggregate classification.
Comment: The FGFR1 c.2107G>A variant is predicted to result in the amino acid substitution p.Gly703Ser. This variant has been reported in an individual with Kallmann syndrome (Table 1, Pitteloud et al. 2006. PubMed ID: 16764984). This variant is reported in 0.0065% of alleles in individuals of South Asian descent in gnomAD. An alternate nucleotide change affecting the same amino acid (p.Gly703Arg) has also been reported in individual with Kallmann syndrome (Table 1, Pitteloud et al. 2006. PubMed ID: 16764984). Although we suspect this variant may be pathogenic, at this time, the clinical significance of the variant is uncertain due to the absence of conclusive functional and genetic evidence.

Literature cited by the submitters: PubMed 11297579 (cited by Centre for Medical Genetics,  Mumbai); PubMed 16764984 (cited by Labcorp Genetics (formerly Invitae), Labcorp); PubMed 23643382 (cited by Labcorp Genetics (formerly Invitae), Labcorp).

NM_023110.3(FGFR1):c.2107G>A (p.Gly703Ser)

Gene: FGFR1 (fibroblast growth factor receptor 1; minus strand). Cytogenetic location: 8p11.23.
Variant type: single nucleotide variant.
Coding change: c.2107G>A on transcript NM_023110.3 (MANE Select); coding-DNA position 2107, G replaced by A.
Protein change: p.Gly703Ser; replaces glycine 703 with serine.
Molecular consequence: missense variant.
Genome position (GRCh38, 1-based): chr8:38,414,231, C>T on the plus strand (G>A on the coding strand, the complement: FGFR1 is on the minus strand). VCF-style: chr8-38414231-C-T. GRCh37 (hg19) VCF-style: chr8-38271749-C-T.
Other names: c.2107G>A, p.Gly703Ser (NM_000604.2); c.2101G>A, p.Gly701Ser (NM_001174063.2, NM_001174065.2, NM_001354367.2 and 1 more transcripts); c.2077G>A, p.Gly693Ser (NM_001174064.2); c.1840G>A, p.Gly614Ser (NM_001174066.2, NM_023105.3); c.2200G>A, p.Gly734Ser (NM_001174067.2); c.1828G>A, p.Gly610Ser (NM_001354368.2); c.2095G>A, p.Gly699Ser (NM_001354369.2, NM_001410922.1); c.1834G>A, p.Gly612Ser (NM_001354370.2, NM_023106.3); short protein forms G610S, G612S, G701S, G614S, G693S, G699S, G703S, G734S.
Identifiers: ClinVar variation 2013252 (VCV002013252.9), dbSNP rs768957161, ClinGen allele CA4718176.